The following is an entry in ClinVar:

NM_002693.3(POLG):c.3304C>T (p.Gln1102Ter)

Gene: POLG (DNA polymerase gamma, catalytic subunit; minus strand). Cytogenetic location: 15q26.1.
Variant type: single nucleotide variant.
Coding change: c.3304C>T on transcript NM_002693.3 (MANE Select); coding-DNA position 3304, C replaced by T.
Protein change: p.Gln1102Ter; replaces glutamine 1102 with a stop codon.
Molecular consequence: nonsense.
Genome position (GRCh38, 1-based): chr15:89,318,719, G>A on the plus strand (C>T on the coding strand, the complement: POLG is on the minus strand). VCF-style: chr15-89318719-G-A. GRCh37 (hg19) VCF-style: chr15-89861950-G-A.
Other names: c.3304C>T, p.Gln1102Ter (NM_001126131.2); short protein forms Q1102*.
Identifiers: ClinVar variation 2098827 (VCV002098827.4), dbSNP rs2509203728, ClinGen allele CA393750120.

ClinVar aggregate classification (germline): Pathogenic (1 of 4 stars; one submission).

Conditions:
Progressive sclerosing poliodystrophy (MTDPS4A). Also called: Mitochondrial DNA Depletion Syndrome 4A; Alpers-Huttenlocher Syndrome (AHS); ALPERS PROGRESSIVE INFANTILE POLIODYSTROPHY; NEURONAL DEGENERATION OF CHILDHOOD WITH LIVER DISEASE, PROGRESSIVE; Mitochondrial DNA depletion syndrome 4A (Alpers type); Alpers Syndrome. Identifiers: Orphanet 726, MedGen C0205710, MONDO:0008758, OMIM 203700.

Submission:

Labcorp Genetics (formerly Invitae), Labcorp
Classification: Pathogenic for Progressive sclerosing poliodystrophy. Last evaluated: 2024-10-16. Review status: criteria provided, single submitter. Criteria: Invitae Variant Classification Sherloc (09022015). Collection method: clinical testing. Allele origin: germline.
Comment: This sequence change creates a premature translational stop signal (p.Gln1102*) in the POLG gene. It is expected to result in an absent or disrupted protein product. Loss-of-function variants in POLG are known to be pathogenic (PMID: 18546365). This variant is not present in population databases (gnomAD no frequency). This variant has not been reported in the literature in individuals affected with POLG-related conditions. ClinVar contains an entry for this variant (Variation ID: 2098827). For these reasons, this variant has been classified as Pathogenic.

Literature cited by the submitters: PubMed 18546365.